The following is an entry in ClinVar:

NM_014141.6(CNTNAP2):c.1162G>A (p.Gly388Arg)

Gene: CNTNAP2 (contactin associated protein 2; plus strand). Cytogenetic location: 7q35.
Variant type: single nucleotide variant.
Coding change: c.1162G>A on transcript NM_014141.6 (MANE Select); coding-DNA position 1162, G replaced by A.
Protein change: p.Gly388Arg; replaces glycine 388 with arginine.
Molecular consequence: missense variant.
Genome position (GRCh38, 1-based): chr7:147,132,323, G>A. VCF-style: chr7-147132323-G-A. GRCh37 (hg19) VCF-style: chr7-146829415-G-A.
Other names: short protein forms G388R.
Identifiers: ClinVar variation 536321 (VCV000536321.9), dbSNP rs775430816, ClinGen allele CA4545993.

ClinVar aggregate classification (germline): Uncertain significance (1 of 4 stars; one submission).

Conditions:
Cortical dysplasia-focal epilepsy syndrome (PTHSL1). Also called: Pitt-Hopkins-like syndrome 1. Identifiers: Orphanet 163681, Orphanet 221150, MedGen C2750246, MONDO:0012400, OMIM 610042.

Allele frequency attached by ClinVar (database versions not stated): gnomAD 0.00001 and 0.00002; ExAC 0.00002; gnomAD exomes 0.00002 and 0.00004; TOPMed 0.00003.
gnomAD v4.1: 57 of 1,613,506 alleles (0.0035%); highest among the groups gnomAD compares: East Asian, 0.1%; no homozygotes.

Submission:

Labcorp Genetics (formerly Invitae), Labcorp
Classification: Uncertain significance for Cortical dysplasia-focal epilepsy syndrome. Last evaluated: 2022-07-16. Review status: criteria provided, single submitter. Criteria: Invitae Variant Classification Sherloc (09022015). Collection method: clinical testing. Allele origin: germline.
Comment: This sequence change replaces glycine, which is neutral and non-polar, with arginine, which is basic and polar, at codon 388 of the CNTNAP2 protein (p.Gly388Arg). This variant is present in population databases (rs775430816, gnomAD 0.01%). This variant has not been reported in the literature in individuals affected with CNTNAP2-related conditions. ClinVar contains an entry for this variant (Variation ID: 536321). Algorithms developed to predict the effect of missense changes on protein structure and function are either unavailable or do not agree on the potential impact of this missense change (SIFT: "Deleterious"; PolyPhen-2: "Probably Damaging"; Align-GVGD: "Class C0"). In summary, the available evidence is currently insufficient to determine the role of this variant in disease. Therefore, it has been classified as a Variant of Uncertain Significance.